The following is an entry in ClinVar:

NM_152703.5(SAMD9L):c.3493G>T (p.Glu1165Ter)

Gene: SAMD9L (sterile alpha motif domain containing 9 like; minus strand). Cytogenetic location: 7q21.2.
Variant type: single nucleotide variant.
Coding change: c.3493G>T on transcript NM_152703.5 (MANE Select); coding-DNA position 3493, G replaced by T.
Protein change: p.Glu1165Ter; replaces glutamic acid 1165 with a stop codon.
Molecular consequence: nonsense.
Genome position (GRCh38, 1-based): chr7:93,132,479, C>A on the plus strand (G>T on the coding strand, the complement: SAMD9L is on the minus strand). VCF-style: chr7-93132479-C-A. GRCh37 (hg19) VCF-style: chr7-92761792-C-A.
Other names: c.3493G>T, p.Glu1165Ter (NM_001303496.3, NM_001303497.3, NM_001303498.3 and 5 more transcripts); c.3493G>T (NM_152703.3); short protein forms E1165*.
Identifiers: ClinVar variation 1477082 (VCV001477082.9), dbSNP rs762404990, ClinGen allele CA4343444.

ClinVar aggregate classification (germline): Uncertain significance. Review status: criteria provided, multiple submitters, no conflicts (2 of 4 stars). 2 submissions from 2 submitters: Uncertain significance (2). Last evaluated 2024-06-15.

Allele frequency attached by ClinVar (database versions not stated): gnomAD 0.00001; gnomAD exomes 0.00001; TOPMed 0.00001; ExAC 0.00002.
gnomAD v4.1: 15 of 1,613,556 alleles (0.00093%); highest among the groups gnomAD compares: Non-Finnish European, 0.0012%; no homozygotes.

Submissions (2):

Labcorp Genetics (formerly Invitae), Labcorp
Classification: Uncertain significance. Last evaluated: 2024-06-15. Review status: criteria provided, single submitter. Criteria: Invitae Variant Classification Sherloc (09022015). Collection method: clinical testing. Allele origin: germline.
Comment: This sequence change creates a premature translational stop signal (p.Glu1165*) in the SAMD9L gene. While this is not anticipated to result in nonsense mediated decay, it is expected to disrupt the last 420 amino acid(s) of the SAMD9L protein. This variant is present in population databases (rs762404990, gnomAD 0.003%). This variant has not been reported in the literature in individuals affected with SAMD9L-related conditions. ClinVar contains an entry for this variant (Variation ID: 1477082). Experimental studies and prediction algorithms are not available or were not evaluated, and the functional significance of this variant is currently unknown. In summary, the available evidence is currently insufficient to determine the role of this variant in disease. Therefore, it has been classified as a Variant of Uncertain Significance.

GeneDx
Classification: Uncertain significance. Last evaluated: 2023-08-23. Review status: criteria provided, single submitter. Criteria: GeneDx Variant Classification Process June 2021. Collection method: clinical testing. Allele origin: germline. Affected: yes.
Comment: Not observed at significant frequency in large population cohorts (gnomAD); Nonsense variant predicted to result in protein truncation in a gene or region of a gene for which loss of function is not an established mechanism of disease; Has not been previously published as pathogenic or benign to our knowledge; This variant is associated with the following publications: (PMID: 28545555)